The following is an entry in ClinVar:

ClinVar aggregate classification (germline): Uncertain significance (1 of 4 stars; one submission).

Conditions:
Inborn genetic diseases. Identifiers: MedGen C0950123, MeSH D030342.

Submission:

Ambry Genetics
Classification: Uncertain significance for Inborn genetic diseases. Last evaluated: 2025-01-03. Review status: criteria provided, single submitter. Criteria: Ambry Variant Classification Scheme 2023. Collection method: clinical testing. Allele origin: germline.
Comment: The p.A1154G variant (also known as c.3461C>G), located in coding exon 32 of the RTEL1 gene, results from a C to G substitution at nucleotide position 3461. The alanine at codon 1154 is replaced by glycine, an amino acid with similar properties. This amino acid position is conserved. In addition, this alteration is predicted to be tolerated by in silico analysis. Based on the available evidence, the clinical significance of this variant remains unclear.

NM_001283009.2(RTEL1):c.3461C>G (p.Ala1154Gly)

Genes: RTEL1 (regulator of telomere elongation helicase 1; plus strand), RTEL1-TNFRSF6B (RTEL1-TNFRSF6B readthrough (NMD candidate); plus strand). Cytogenetic location: 20q13.33.
Variant type: single nucleotide variant.
Coding change: c.3461C>G on transcript NM_001283009.2 (MANE Select); coding-DNA position 3461, C replaced by G.
Protein change: p.Ala1154Gly; replaces alanine 1154 with glycine.
Molecular consequence: missense variant. On other transcripts: non-coding transcript variant (1).
Genome position (GRCh38, 1-based): chr20:63,695,183, C>G. VCF-style: chr20-63695183-C-G. GRCh37 (hg19) VCF-style: chr20-62326536-C-G.
Other names: c.2792C>G, p.Ala931Gly (NM_001283010.1); c.3461C>G, p.Ala1154Gly (NM_016434.4); c.3533C>G, p.Ala1178Gly (NM_032957.5); short protein forms A931G, A1178G, A1154G.
Identifiers: ClinVar variation 3791020 (VCV003791020.1).
Genomic context (GRCh38, chr20:63,695,183, plus strand): 5'-ACCTGACCGGCCGGCCCTACCCGGGCATGGAGCCACCGGGACCCCAGGAGGAGAGGCTTG[C>G]CGTGCCTCCTGTGCTTACCCACAGGGCTCCCCAACCAGGTAGGGCACCTGCCTGGCTGCT-3'
Protein context (NP_001269938.1, residues 1144-1164): EPPGPQEERL[Ala1154Gly]VPPVLTHRAP